The following is an entry in ClinVar:

NM_001844.5(COL2A1):c.1287T>C (p.Gly429=)

Gene: COL2A1 (collagen type II alpha 1 chain; minus strand). Cytogenetic location: 12q13.11.
Variant type: single nucleotide variant.
Coding change: c.1287T>C on transcript NM_001844.5 (MANE Select); coding-DNA position 1287, T replaced by C.
Protein change: p.Gly429=; no amino-acid change (glycine 429 retained).
Molecular consequence: synonymous variant.
Genome position (GRCh38, 1-based): chr12:47,987,156, A>G on the plus strand (T>C on the coding strand, the complement: COL2A1 is on the minus strand). VCF-style: chr12-47987156-A-G. GRCh37 (hg19) VCF-style: chr12-48380939-A-G.
Other names: c.1080T>C, p.Gly360= (NM_033150.3).
Identifiers: ClinVar variation 258209 (VCV000258209.47), dbSNP rs35012272, ClinGen allele CA6535525.
Genomic context (GRCh38, chr12:47,987,156, plus strand): 5'-CAGAGGACCAGTTGCACCTTGAGGGCCAGGAGGGCCCCGTGGCCCAGGGAAGCCAGGAGC[A>G]CCAGCAATGCCAGGAGCACCCTGTGGGCATGAGAAGAAGGGAGGGGTGTCAGGAGAGGGG-3'
Protein context (NP_001835.3, residues 419-439): KGSAGAPGIA[Gly429=]APGFPGPRGP

ClinVar aggregate classification (germline): Benign/Likely benign. Review status: criteria provided, multiple submitters, no conflicts (2 of 4 stars). 12 submissions from 11 submitters: Benign (1); Likely benign (11). Last evaluated 2026-06-01.

Conditions:
Connective tissue disorder. Also called: Connective tissue disease. Identifiers: MedGen C0009782, MONDO:0003900.
Type 2 collagenopathy. Identifiers: Orphanet 93421, MedGen C2931073, MONDO:0022800.
Stickler syndrome type 1 (STL1). Also called: ARTHROOPHTHALMOPATHY, HEREDITARY PROGRESSIVE; STICKLER SYNDROME, MEMBRANOUS VITREOUS TYPE; STICKLER SYNDROME, VITREOUS TYPE 1; COL2A1-Related Stickler Syndrome. Identifiers: Orphanet 828, Orphanet 90653, MedGen C2020284, MONDO:0007160, OMIM 108300.

Allele frequency attached by ClinVar (database versions not stated): gnomAD exomes 0.00051 and 0.00070; ExAC 0.00054; gnomAD 0.00058 and 0.00062; ESP Exome Variant Server 0.00069; 1000 Genomes Project 30x 0.00078; 1000 Genomes Project 0.00080; TOPMed 0.00094.
gnomAD v4.1: 1,139 of 1,614,126 alleles (0.071%); highest among the groups gnomAD compares: South Asian, 0.15%; 3 homozygotes.

Submissions (12):

CeGaT Center for Human Genetics Tuebingen
Classification: Likely benign. Last evaluated: 2026-06-01. Review status: criteria provided, single submitter. Criteria: CeGaT Center For Human Genetics Tuebingen Variant Classification Criteria Version 2. Collection method: clinical testing. Allele origin: germline. Affected: yes. Observed: 5 variant alleles.
Comment: COL2A1: BP4, BP7, BS1

Labcorp Genetics (formerly Invitae), Labcorp
Classification: Likely benign. Last evaluated: 2026-01-21. Review status: criteria provided, single submitter. Criteria: Invitae Variant Classification Sherloc (09022015). Collection method: clinical testing. Allele origin: germline.

Laboratory of Genetics, Children's Clinical University Hospital Latvia
Classification: Likely benign. Last evaluated: 2025-02-16. Review status: criteria provided, single submitter. Criteria: ACMG Guidelines, 2015. Collection method: clinical testing. Allele origin: germline. Affected: yes.

Blueprint Genetics
Classification: Likely benign. Last evaluated: 2024-10-31. Review status: criteria provided, single submitter. Criteria: ACMG Guidelines, 2015. Collection method: clinical testing. Allele origin: germline.

Athena Diagnostics
Classification: Likely benign. Last evaluated: 2019-08-05. Review status: criteria provided, single submitter. Criteria: Athena Diagnostics Criteria. Collection method: clinical testing. Allele origin: germline.

Genome Diagnostics Laboratory, The Hospital for Sick Children
Classification: Likely benign for Connective tissue disorder. Last evaluated: 2019-05-01. Review status: criteria provided, single submitter. Criteria: ACMG Guidelines, 2015. Collection method: clinical testing. Allele origin: germline.

Center for Human Genetics, Inc
Classification: Likely benign for Connective tissue disorder. Last evaluated: 2018-06-01. Review status: criteria provided, single submitter. Criteria: ACMG Guidelines, 2015. Collection method: clinical testing. Allele origin: germline. Affected: yes.

Illumina Laboratory Services, Illumina
Classification: Benign for Stickler syndrome type 1. Last evaluated: 2017-04-27. Review status: criteria provided, single submitter. Criteria: ICSL Variant Classification Criteria 13 December 2019. Collection method: clinical testing. Allele origin: germline.
Comment: This variant was observed as part of a predisposition screen in an ostensibly healthy population. A literature search was performed for the gene, cDNA change, and amino acid change (where applicable). No publications were found based on this search. Allele frequency data from public databases was too high to be consistent with this variant causing disease. Therefore, this variant is classified as benign.

Illumina Laboratory Services, Illumina
Classification: Likely benign for Type II Collagenopathies. Last evaluated: 2017-04-27. Review status: criteria provided, single submitter. Criteria: ICSL Variant Classification Criteria 13 December 2019. Collection method: clinical testing. Allele origin: germline.
Comment: This variant was observed as part of a predisposition screen in an ostensibly healthy population. A literature search was performed for the gene, cDNA change, and amino acid change (where applicable). No publications were found based on this search. Allele frequency data from public databases allowed determination this variant is unlikely to cause disease. Therefore, this variant is classified as likely benign.

GeneDx
Classification: Likely benign. Last evaluated: 2017-03-13. Review status: criteria provided, single submitter. Criteria: GeneDx Variant Classification (06012015). Collection method: clinical testing. Allele origin: germline. Affected: yes.
Comment: This variant is considered likely benign or benign based on one or more of the following criteria: it is a conservative change, it occurs at a poorly conserved position in the protein, it is predicted to be benign by multiple in silico algorithms, and/or has population frequency not consistent with disease.

Breakthrough Genomics
Classification: Likely benign. Review status: criteria provided, single submitter. Criteria: ACMG Guidelines, 2015. Collection method: not provided. Allele origin: germline. Inheritance: Autosomal dominant inheritance. Affected: yes.

PreventionGenetics, part of Exact Sciences
Classification: Likely benign. Review status: criteria provided, single submitter. Criteria: ACMG Guidelines, 2015. Collection method: clinical testing. Allele origin: germline.